The following is an entry in ClinVar:

NM_001009944.3(PKD1):c.9170T>G (p.Val3057Gly)

Gene: PKD1 (polycystin 1, transient receptor potential channel interacting; minus strand). Cytogenetic location: 16p13.3.
Variant type: single nucleotide variant.
Coding change: c.9170T>G on transcript NM_001009944.3 (MANE Select); coding-DNA position 9170, T replaced by G.
Protein change: p.Val3057Gly; replaces valine 3057 with glycine.
Molecular consequence: missense variant.
Genome position (GRCh38, 1-based): chr16:2,102,412, A>C on the plus strand (T>G on the coding strand, the complement: PKD1 is on the minus strand). VCF-style: chr16-2102412-A-C. GRCh37 (hg19) VCF-style: chr16-2152413-A-C.
Other names: c.9170T>G, p.Val3057Gly (NM_000296.4); short protein forms V3057G.
Identifiers: ClinVar variation 2631498 (VCV002631498.1), dbSNP rs758627119, ClinGen allele CA394358618.
Genomic context (GRCh38, chr16:2,102,412, plus strand): 5'-GAGGCTCCCAGGAGCACAGGGTCACTCACAGGAAACACAAAGCGGACATGGCTTGGGGGC[A>C]CGAAGAGGCTGGCGCCGAAGGCGGTGAGGTGGCGGGTGAGGCAGACGGCCTGGCGGGGCG-3'
Protein context (NP_001009944.3, residues 3047-3067): HLTAFGASLF[Val3057Gly]PPSHVRFVFP

ClinVar aggregate classification (germline): Uncertain significance (1 of 4 stars; one submission).

Conditions:
PKD1-related disorder. Also called: PKD1-related condition.

Submission:

PreventionGenetics, part of Exact Sciences
Classification: Uncertain significance for PKD1-related condition. Last evaluated: 2023-08-05. Review status: criteria provided, single submitter. Criteria: ACMG Guidelines, 2015. Collection method: clinical testing. Allele origin: germline.
Comment: The PKD1 c.9170T>G variant is predicted to result in the amino acid substitution p.Val3057Gly. To our knowledge, this variant has not been reported in the literature or in a large population database, indicating this variant is rare. At this time, the clinical significance of this variant is uncertain due to the absence of conclusive functional and genetic evidence.